The following is an entry in ClinVar:

ClinVar aggregate classification (germline): Likely pathogenic. Review status: criteria provided, multiple submitters, no conflicts (2 of 4 stars). 2 submissions from 2 submitters: Likely pathogenic (2). Last evaluated 2025-07-13.

Conditions:
Inborn genetic diseases. Identifiers: MedGen C0950123, MeSH D030342.
Early-infantile DEE. Also called: Early infantile epileptic encephalopathy; Ohtahara syndrome; Early infantile epileptic encephalopathy with suppression bursts. Identifiers: Orphanet 1934, MedGen C0393706, MONDO:0800491.

Submissions (2):

Labcorp Genetics (formerly Invitae), Labcorp
Classification: Likely pathogenic for Early-infantile DEE. Last evaluated: 2025-07-13. Review status: criteria provided, single submitter. Criteria: Invitae Variant Classification Sherloc (09022015). Collection method: clinical testing. Allele origin: germline.
Comment: This sequence change replaces serine, which is neutral and polar, with phenylalanine, which is neutral and non-polar, at codon 195 of the KCNQ2 protein (p.Ser195Phe). This variant is not present in population databases (gnomAD no frequency). This missense change has been observed in individual(s) with clinical features of epileptic encephalopathy (internal data). ClinVar contains an entry for this variant (Variation ID: 590184). Invitae Evidence Modeling of protein sequence and biophysical properties (such as structural, functional, and spatial information, amino acid conservation, physicochemical variation, residue mobility, and thermodynamic stability) indicates that this missense variant is expected to disrupt KCNQ2 protein function with a positive predictive value of 95%. This variant disrupts the p.Ser195 amino acid residue in KCNQ2. Other variant(s) that disrupt this residue have been determined to be pathogenic (PMID: 24107868; internal data). This suggests that this residue is clinically significant, and that variants that disrupt this residue are likely to be disease-causing. In summary, the currently available evidence indicates that the variant is pathogenic, but additional data are needed to prove that conclusively. Therefore, this variant has been classified as Likely Pathogenic.

Ambry Genetics
Classification: Likely pathogenic for Inborn genetic diseases. Last evaluated: 2016-03-09. Review status: criteria provided, single submitter. Criteria: Ambry Variant Classification Scheme 2023. Collection method: clinical testing. Allele origin: germline.
Comment: The p.S195F variant (also known as c.584C>T), located in coding exon 4 of the KCNQ2 gene, results from a C to T substitution at nucleotide position 584. The serine at codon 195 is replaced by phenylalanine, an amino acid with highly dissimilar properties. The p.S195F variant was not reported in population based cohorts in the following databases: Database of Single Nucleotide Polymorphisms (dbSNP), NHLBI Exome Sequencing Project (ESP), and 1000 Genomes Project. In the ESP, this variant was not observed in 6491 samples (12982 alleles) with coverage at this position. This amino acid position is highly conserved in available vertebrate species. p.S195 is located at the extracellular end of the S4 transmembrane region in the voltage-sensing domain and may destabilize the interface with the adjacent monomer and inhibit gating of the sensing domain (Miceli F et al J. Neurosci. 2015;35(9):3782-93). In addition, this alteration is predicted to be deleterious by in silico analysis. Based on the majority of available evidence to date, this variant is likely to be pathogenic.

Literature cited by the submitters: PubMed 24107868 (cited by Labcorp Genetics (formerly Invitae), Labcorp and Ambry Genetics); PubMed 17475800 (cited by Ambry Genetics); PubMed 23360469 (cited by Ambry Genetics); PubMed 23708187 (cited by Ambry Genetics); PubMed 25740509 (cited by Ambry Genetics).

NM_172107.4(KCNQ2):c.584C>T (p.Ser195Phe)

Gene: KCNQ2 (potassium voltage-gated channel subfamily Q member 2; minus strand). Cytogenetic location: 20q13.33.
Variant type: single nucleotide variant.
Coding change: c.584C>T on transcript NM_172107.4 (MANE Select); coding-DNA position 584, C replaced by T.
Protein change: p.Ser195Phe; replaces serine 195 with phenylalanine.
Molecular consequence: missense variant.
Genome position (GRCh38, 1-based): chr20:63,444,765, G>A on the plus strand (C>T on the coding strand, the complement: KCNQ2 is on the minus strand). VCF-style: chr20-63444765-G-A. GRCh37 (hg19) VCF-style: chr20-62076118-G-A.
Other names: c.584C>T, p.Ser195Phe (NM_004518.6, NM_172106.3, NM_172108.5 and 1 more transcripts); short protein forms S195F.
Identifiers: ClinVar variation 590184 (VCV000590184.53), dbSNP rs1568940442, ClinGen allele CA409654832.